The following is an entry in ClinVar:

ClinVar aggregate classification (germline): Uncertain significance (1 of 4 stars; one submission).

Allele frequency attached by ClinVar (database versions not stated): gnomAD exomes below 0.00001.
gnomAD v4.1: 2 of 1,614,060 alleles (0.00012%); highest among the groups gnomAD compares: South Asian, 0.0011%; no homozygotes.

Submission:

Labcorp Genetics (formerly Invitae), Labcorp
Classification: Uncertain significance. Last evaluated: 2024-04-02. Review status: criteria provided, single submitter. Criteria: Invitae Variant Classification Sherloc (09022015). Collection method: clinical testing. Allele origin: germline.
Comment: This sequence change replaces lysine, which is basic and polar, with arginine, which is basic and polar, at codon 729 of the CTR9 protein (p.Lys729Arg). This variant is not present in population databases (gnomAD no frequency). This variant has not been reported in the literature in individuals affected with CTR9-related conditions. An algorithm developed to predict the effect of missense changes on protein structure and function (PolyPhen-2) suggests that this variant is likely to be tolerated. In summary, the available evidence is currently insufficient to determine the role of this variant in disease. Therefore, it has been classified as a Variant of Uncertain Significance.

NM_014633.5(CTR9):c.2186A>G (p.Lys729Arg)

Gene: CTR9 (CTR9 component of Paf1/RNA polymerase II complex; plus strand). Cytogenetic location: 11p15.4.
Variant type: single nucleotide variant.
Coding change: c.2186A>G on transcript NM_014633.5 (MANE Select); coding-DNA position 2186, A replaced by G.
Protein change: p.Lys729Arg; replaces lysine 729 with arginine.
Molecular consequence: missense variant.
Genome position (GRCh38, 1-based): chr11:10,770,286, A>G. VCF-style: chr11-10770286-A-G. GRCh37 (hg19) VCF-style: chr11-10791833-A-G.
Other names: c.2186A>G, p.Lys729Arg (NM_001346279.2); short protein forms K729R.
Identifiers: ClinVar variation 2906232 (VCV002906232.3), dbSNP rs1172410396, ClinGen allele CA379674642.